The following is an entry in ClinVar:

ClinVar aggregate classification (germline): Pathogenic (1 of 4 stars; one submission).

Conditions:
Hereditary pheochromocytoma and paraganglioma. Also called: Hereditary Paraganglioma-Pheochromocytoma Syndromes; Hereditary pheochromocytoma-paraganglioma; Hereditary paragangliomas and pheochromocytomas. Identifiers: Orphanet 29072, MedGen C4274332, MONDO:0017366.

Submission:

Labcorp Genetics (formerly Invitae), Labcorp
Classification: Pathogenic for Hereditary pheochromocytoma and paraganglioma. Last evaluated: 2023-05-23. Review status: criteria provided, single submitter. Criteria: Invitae Variant Classification Sherloc (09022015). Collection method: clinical testing. Allele origin: germline.
Comment: This sequence change creates a premature translational stop signal (p.Ala38Glyfs*71) in the TMEM127 gene. It is expected to result in an absent or disrupted protein product. Loss-of-function variants in TMEM127 are known to be pathogenic (PMID: 20154675, 21156949). For these reasons, this variant has been classified as Pathogenic. This variant has not been reported in the literature in individuals affected with TMEM127-related conditions. This variant is not present in population databases (gnomAD no frequency).

Literature cited by the submitters: PubMed 20154675; PubMed 21156949.

NM_017849.4(TMEM127):c.109_112dup (p.Ala38fs)

Genes: TMEM127 (transmembrane protein 127; minus strand), LOC129934333 (ATAC-STARR-seq lymphoblastoid silent region 11759; plus strand). Cytogenetic location: 2q11.2.
Variant type: Duplication.
Coding change: c.109_112dup on transcript NM_017849.4 (MANE Select); coding-DNA positions 109 to 112, 4 bases duplicated (GGCG; older notation c.109_112dupGGCG).
Protein change: p.Ala38fs; shifts the reading frame from alanine 38.
Molecular consequence: frameshift variant. On other transcripts: intron variant (1).
Genome position (GRCh38, 1-based): chr2:96,265,270-96,265,273, CGCC duplicated on the plus strand (GGCG on the coding strand, the reverse complement: TMEM127 is on the minus strand). VCF-style (leftmost placement, unchanged base first): chr2-96265269-G-GCGCC. GRCh37 (hg19) VCF-style: chr2-96931007-G-GCGCC.
Other names: c.109_112dup, p.Ala38fs (NM_001193304.3); c.-9+596_-9+599dup (NM_001407283.1); short protein forms A38fs.
Identifiers: ClinVar variation 2693357 (VCV002693357.3), dbSNP rs2467285742, ClinGen allele CA2697550988.